The following is an entry in ClinVar:

ClinVar aggregate classification (germline): Uncertain significance (1 of 4 stars; one submission).

Conditions:
Tuberous sclerosis 1 (TSC1). Identifiers: Orphanet 805, MedGen C1854465, MONDO:0008612, OMIM 191100.

Submission:

Labcorp Genetics (formerly Invitae), Labcorp
Classification: Uncertain significance for Tuberous sclerosis 1. Last evaluated: 2023-05-15. Review status: criteria provided, single submitter. Criteria: Invitae Variant Classification Sherloc (09022015). Collection method: clinical testing. Allele origin: germline.
Comment: This sequence change replaces serine, which is neutral and polar, with asparagine, which is neutral and polar, at codon 530 of the TSC1 protein (p.Ser530Asn). This variant is not present in population databases (gnomAD no frequency). This variant has not been reported in the literature in individuals affected with TSC1-related conditions. ClinVar contains an entry for this variant (Variation ID: 411237). In summary, the available evidence is currently insufficient to determine the role of this variant in disease. Therefore, it has been classified as a Variant of Uncertain Significance. Advanced modeling of protein sequence and biophysical properties (such as structural, functional, and spatial information, amino acid conservation, physicochemical variation, residue mobility, and thermodynamic stability) performed at Invitae indicates that this missense variant is not expected to disrupt TSC1 protein function.

NM_000368.5(TSC1):c.1589G>A (p.Ser530Asn)

Gene: TSC1 (TSC complex subunit 1; minus strand). Cytogenetic location: 9q34.13.
Variant type: single nucleotide variant.
Coding change: c.1589G>A on transcript NM_000368.5 (MANE Select); coding-DNA position 1589, G replaced by A.
Protein change: p.Ser530Asn; replaces serine 530 with asparagine.
Molecular consequence: missense variant.
Genome position (GRCh38, 1-based): chr9:132,905,989, C>T on the plus strand (G>A on the coding strand, the complement: TSC1 is on the minus strand). VCF-style: chr9-132905989-C-T. GRCh37 (hg19) VCF-style: chr9-135781376-C-T.
Other names: c.1586G>A, p.Ser529Asn (NM_001162426.2); c.1436G>A, p.Ser479Asn (NM_001162427.2); c.1226G>A, p.Ser409Asn (NM_001362177.2); short protein forms S530N, S409N, S529N, S479N.
Identifiers: ClinVar variation 411237 (VCV000411237.10), dbSNP rs368481360, ClinGen allele CA16612579.
Genomic context (GRCh38, chr9:132,905,989, plus strand): 5'-TGCTTTGGTGTGTCAGGCCCAAGCTTGTCCAGGGAGGAGTGTAAAGGCTCAGGGTTCACG[C>T]TGGCGCCCTGAGAACTGGAGGCTGCCGAGTGGGTCTTCCGCTGAGAACCTGGGAGACTGT-3'
Protein context (NP_000359.1, residues 520-540): HSAASSSQGA[Ser530Asn]VNPEPLHSSL